The following is an entry in ClinVar:

ClinVar aggregate classification (germline): Uncertain significance (1 of 4 stars; one submission).

Conditions:
Immunodeficiency 39 (IMD39). Identifiers: Orphanet 574918, MedGen C4225358, MONDO:0014597, OMIM 616345.

Allele frequency attached by ClinVar (database versions not stated): gnomAD exomes 0.00002; ESP Exome Variant Server 0.00008; ExAC 0.00011; gnomAD 0.00001; TOPMed 0.00001.

Submission:

Labcorp Genetics (formerly Invitae), Labcorp
Classification: Uncertain significance for Immunodeficiency 39. Last evaluated: 2024-10-25. Review status: criteria provided, single submitter. Criteria: Invitae Variant Classification Sherloc (09022015). Collection method: clinical testing. Allele origin: germline.
Comment: This sequence change falls in intron 6 of the IRF7 gene. It does not directly change the encoded amino acid sequence of the IRF7 protein. It affects a nucleotide within the consensus splice site. This variant is not present in population databases (gnomAD no frequency). This variant has not been reported in the literature in individuals affected with IRF7-related conditions. ClinVar contains an entry for this variant (Variation ID: 542691). Variants that disrupt the consensus splice site are a relatively common cause of aberrant splicing (PMID: 17576681, 9536098). Algorithms developed to predict the effect of sequence changes on RNA splicing suggest that this variant may disrupt the consensus splice site. In summary, the available evidence is currently insufficient to determine the role of this variant in disease. Therefore, it has been classified as a Variant of Uncertain Significance.

Literature cited by the submitters: PubMed 17576681; PubMed 9536098.

NM_001572.5(IRF7):c.847+4del

Gene: IRF7 (interferon regulatory factor 7; minus strand). Cytogenetic location: 11p15.5.
Variant type: Deletion.
Coding change: c.847+4del on transcript NM_001572.5 (MANE Select); 4 bases into the intron after coding-DNA position 847, one base deleted (A; older notation c.847+4delA).
Molecular consequence: intron variant.
Genome position (GRCh38, 1-based): chr11:613,781, T deleted on the plus strand (A on the coding strand, the reverse complement: IRF7 is on the minus strand). VCF-style (leftmost placement, unchanged base first): chr11-613780-CT-C. GRCh37 (hg19) VCF-style: chr11-613780-CT-C.
Other names: c.760+4del (NM_004029.4); c.886+4del (NM_004031.4); c.847+4del (LRG_1313t1).
Identifiers: ClinVar variation 542691 (VCV000542691.6), dbSNP rs764192169, ClinGen allele CA5783718.